The following is an entry in ClinVar:

ClinVar aggregate classification (germline): Likely pathogenic (1 of 4 stars; one submission).

Conditions:
Hennekam lymphangiectasia-lymphedema syndrome 1 (HKLLS1). Also called: LYMPHATIC DYSPLASIA, GENERALIZED. Identifiers: Orphanet 2136, MedGen C4012050, MONDO:0009337, OMIM 235510.

Submission:

MVZ Medizinische Genetik Mainz
Classification: Likely pathogenic for Hennekam lymphangiectasia-lymphedema syndrome 1. Last evaluated: 2022-02-17. Review status: criteria provided, single submitter. Criteria: UK Practice Guidelines For Variant Classification V4 01 2020. Collection method: clinical testing. Allele origin: germline. Inheritance: Autosomal recessive inheritance. Affected: yes. Observed: 1 variant allele.
Comment: ACMG Criteria: PM1, PM2_SUP, PM3_SUP, PM5_SUP, PP3 (ACMG Version 3); Compound Heterozygote

NM_133459.4(CCBE1):c.293G>A (p.Cys98Tyr)

Gene: CCBE1 (collagen and calcium binding EGF domains 1; minus strand). Cytogenetic location: 18q21.32.
Variant type: single nucleotide variant.
Coding change: c.293G>A on transcript NM_133459.4 (MANE Select); coding-DNA position 293, G replaced by A.
Protein change: p.Cys98Tyr; replaces cysteine 98 with tyrosine.
Molecular consequence: missense variant.
Genome position (GRCh38, 1-based): chr18:59,469,580, C>T on the plus strand (G>A on the coding strand, the complement: CCBE1 is on the minus strand). VCF-style: chr18-59469580-C-T. GRCh37 (hg19) VCF-style: chr18-57136812-C-T.
Other names: short protein forms C98Y.
Identifiers: ClinVar variation 3236090 (VCV003236090.1), dbSNP rs1487519669, ClinGen allele CA402592620.